The following is an entry in ClinVar:

ClinVar aggregate classification (germline): Uncertain significance (1 of 4 stars; one submission).

Conditions:
Episodic ataxia type 2 (EA2). Also called: ATAXIA, EPISODIC, WITH NYSTAGMUS; ATAXIA, FAMILIAL PAROXYSMAL; CEREBELLAR ATAXIA, PAROXYSMAL, ACETAZOLAMIDE-RESPONSIVE; CEREBELLOPATHY, HEREDITARY PAROXYSMAL; ACETAZOLAMIDE-RESPONSIVE HEREDITARY PAROXYSMAL CEREBELLAR ATAXIA; EPISODIC ATAXIA, NYSTAGMUS-ASSOCIATED. Identifiers: Orphanet 97, MedGen C1720416, MONDO:0007163, OMIM 108500.
Developmental and epileptic encephalopathy, 42 (DEE42A). Also called: Epileptic encephalopathy, early infantile, 42; DEVELOPMENTAL AND EPILEPTIC ENCEPHALOPATHY 42A; EPILEPTIC ENCEPHALOPATHY, EARLY INFANTILE, 42A. Identifiers: MedGen C4310716, MONDO:0014917, OMIM 617106.

Allele frequency attached by ClinVar (database versions not stated): gnomAD exomes below 0.00001.
gnomAD v4.1: 1 of 1,580,978 alleles (0.000063%); highest among the groups gnomAD compares: Admixed American, 0.0018%; no homozygotes.

Submission:

Labcorp Genetics (formerly Invitae), Labcorp
Classification: Uncertain significance for Developmental and epileptic encephalopathy, 42; Episodic ataxia type 2. Last evaluated: 2022-06-23. Review status: criteria provided, single submitter. Criteria: Invitae Variant Classification Sherloc (09022015). Collection method: clinical testing. Allele origin: germline.
Comment: This sequence change replaces leucine, which is neutral and non-polar, with proline, which is neutral and non-polar, at codon 194 of the CACNA1A protein (p.Leu194Pro). This variant is not present in population databases (gnomAD no frequency). This variant has not been reported in the literature in individuals affected with CACNA1A-related conditions. Advanced modeling of protein sequence and biophysical properties (such as structural, functional, and spatial information, amino acid conservation, physicochemical variation, residue mobility, and thermodynamic stability) performed at Invitae indicates that this missense variant is expected to disrupt CACNA1A protein function. In summary, the available evidence is currently insufficient to determine the role of this variant in disease. Therefore, it has been classified as a Variant of Uncertain Significance.

NM_001127222.2(CACNA1A):c.581T>C (p.Leu194Pro)

Gene: CACNA1A (calcium voltage-gated channel subunit alpha1 A; minus strand). Cytogenetic location: 19p13.13.
Variant type: single nucleotide variant.
Coding change: c.581T>C on transcript NM_001127222.2 (MANE Select); coding-DNA position 581, T replaced by C.
Protein change: p.Leu194Pro; replaces leucine 194 with proline.
Molecular consequence: missense variant.
Genome position (GRCh38, 1-based): chr19:13,371,738, A>G on the plus strand (T>C on the coding strand, the complement: CACNA1A is on the minus strand). VCF-style: chr19-13371738-A-G. GRCh37 (hg19) VCF-style: chr19-13482552-A-G.
Other names: c.581T>C, p.Leu194Pro (NM_000068.4, NM_001127221.2, NM_001174080.2 and 1 more transcripts); short protein forms L194P.
Identifiers: ClinVar variation 2009664 (VCV002009664.4), dbSNP rs2513200595, ClinGen allele CA404350999.